The following is an entry in ClinVar:

NM_000642.3(AGL):c.151C>T (p.Pro51Ser)

Gene: AGL (amylo-alpha-1,6-glucosidase and 4-alpha-glucanotransferase; plus strand). Cytogenetic location: 1p21.2.
Variant type: single nucleotide variant.
Coding change: c.151C>T on transcript NM_000642.3 (MANE Select); coding-DNA position 151, C replaced by T.
Protein change: p.Pro51Ser; replaces proline 51 with serine.
Molecular consequence: missense variant.
Genome position (GRCh38, 1-based): chr1:99,861,571, C>T. VCF-style: chr1-99861571-C-T. GRCh37 (hg19) VCF-style: chr1-100327127-C-T.
Other names: c.151C>T, p.Pro51Ser (NM_000028.3, NM_000643.3, NM_000644.3 and 5 more transcripts); c.103C>T, p.Pro35Ser (NM_000646.3); short protein forms P35S, P51S.
Identifiers: ClinVar variation 1061212 (VCV001061212.4), dbSNP rs367591347, ClinGen allele CA966074.
Genomic context (GRCh38, chr1:99,861,571, plus strand): 5'-CTACAGTTCCGATTAGGCCCAACTTTACAGGGAAAAGCAGTTACCGTGTATACAAATTAC[C>T]CATTTCCTGGAGAAACATTTAATAGAGAAAAATTCCGTTCTCTGGATTGGGAAAATCCAA-3'
Protein context (NP_000633.2, residues 41-61): GKAVTVYTNY[Pro51Ser]FPGETFNREK

ClinVar aggregate classification (germline): Uncertain significance (1 of 4 stars; one submission).

Conditions:
Glycogen storage disease type III (GSD3). Also called: Cori disease; FORBES DISEASE. Identifiers: Orphanet 366, MedGen C0017922, MONDO:0009291, OMIM 232400.

Allele frequency attached by ClinVar (database versions not stated): gnomAD exomes below 0.00001; ExAC 0.00001; gnomAD 0.00001; TOPMed 0.00001; ESP Exome Variant Server 0.00008.
gnomAD v4.1: 1 of 1,613,838 alleles (0.000062%); highest among the groups gnomAD compares: African/African-American, 0.0013%; no homozygotes.

Submission:

Labcorp Genetics (formerly Invitae), Labcorp
Classification: Uncertain significance for Glycogen storage disease type III. Last evaluated: 2022-07-06. Review status: criteria provided, single submitter. Criteria: Invitae Variant Classification Sherloc (09022015). Collection method: clinical testing. Allele origin: germline.
Comment: This sequence change replaces proline, which is neutral and non-polar, with serine, which is neutral and polar, at codon 51 of the AGL protein (p.Pro51Ser). This variant is not present in population databases (gnomAD no frequency). This variant has not been reported in the literature in individuals affected with AGL-related conditions. ClinVar contains an entry for this variant (Variation ID: 1061212). Algorithms developed to predict the effect of missense changes on protein structure and function are either unavailable or do not agree on the potential impact of this missense change (SIFT: "Tolerated"; PolyPhen-2: "Possibly Damaging"; Align-GVGD: "Class C0"). In summary, the available evidence is currently insufficient to determine the role of this variant in disease. Therefore, it has been classified as a Variant of Uncertain Significance.